The following is an entry in ClinVar:

ClinVar aggregate classification (germline): Benign/Likely benign. Review status: criteria provided, multiple submitters, no conflicts (2 of 4 stars). 3 submissions from 3 submitters: Benign (1); Likely benign (2). Last evaluated 2024-08-09.

Conditions:
Familial cancer of breast. Also called: BREAST CANCER, FAMILIAL; Hereditary breast cancer; hereditary breast carcinoma. Identifiers: Orphanet 227535, MedGen C0346153, MONDO:0016419, OMIM 114480. Disease mechanism: loss of function.
Hereditary cancer-predisposing syndrome. Also called: Neoplastic Syndromes, Hereditary; Tumor predisposition; Hereditary neoplastic syndrome; Hereditary Cancer Syndrome. Identifiers: Orphanet 140162, MedGen C0027672, MeSH D009386, MONDO:0015356.

Allele frequency attached by ClinVar (database versions not stated): gnomAD exomes 0.00001.
gnomAD v4.1: 4 of 1,597,298 alleles (0.00025%); highest among the groups gnomAD compares: Non-Finnish European, 0.00034%; no homozygotes.

Submissions (3):

Myriad Genetics, Inc.
Classification: Benign for Familial cancer of breast. Last evaluated: 2024-08-09. Review status: criteria provided, single submitter. Criteria: Myriad Autosomal Dominant, Autosomal Recessive and X-Linked Classification Criteria (2023). Collection method: clinical testing. Allele origin: unknown.
Comment: This variant is considered benign. This variant is a silent/synonymous amino acid change and it is not expected to impact splicing.

Ambry Genetics
Classification: Likely benign for Hereditary cancer-predisposing syndrome. Last evaluated: 2023-07-07. Review status: criteria provided, single submitter. Criteria: Ambry Variant Classification Scheme 2023. Collection method: clinical testing. Allele origin: germline.

Color Diagnostics, LLC DBA Color Health
Classification: Likely benign for Hereditary cancer-predisposing syndrome. Last evaluated: 2018-04-26. Review status: criteria provided, single submitter. Criteria: ACMG Guidelines, 2015. Collection method: clinical testing. Allele origin: germline.

NM_032043.3(BRIP1):c.99C>G (p.Leu33=)

Gene: BRIP1 (BRCA1 interacting DNA helicase 1; minus strand). Cytogenetic location: 17q23.2.
Variant type: single nucleotide variant.
Coding change: c.99C>G on transcript NM_032043.3 (MANE Select); coding-DNA position 99, C replaced by G.
Protein change: p.Leu33=; no amino-acid change (leucine 33 retained).
Molecular consequence: synonymous variant.
Genome position (GRCh38, 1-based): chr17:61,859,902, G>C on the plus strand (C>G on the coding strand, the complement: BRIP1 is on the minus strand). VCF-style: chr17-61859902-G-C. GRCh37 (hg19) VCF-style: chr17-59937263-G-C.
Identifiers: ClinVar variation 628242 (VCV000628242.5), dbSNP rs1567877092, ClinGen allele CA501151737.